The following is an entry in ClinVar:

ClinVar aggregate classification (germline): Uncertain significance (1 of 4 stars; one submission).

Allele frequency attached by ClinVar (database versions not stated): gnomAD exomes below 0.00001.

Submission:

GeneDx
Classification: Uncertain significance. Last evaluated: 2017-02-27. Review status: criteria provided, single submitter. Criteria: GeneDx Variant Classification (06012015). Collection method: clinical testing. Allele origin: germline. Affected: yes.
Comment: A variant of uncertain significance has been identified in the ATP2A1 gene. The c.118+2dupT variant has not been published as a pathogenic variant, nor has it been reported as a benign variant to our knowledge. The c.118+2dupT variant is not observed in large population cohorts (Lek et al., 2016; 1000 Genomes Consortium et al., 2015; Exome Variant Server). The c.118+2dupT splice site variant destroys the canonical splice donor site of intron 1. It is predicted to cause abnormal gene splicing, either leading to an abnormal message that is subject to nonsense-mediated mRNA decay, or to an abnormal protein product if the message is used for protein translation. However, in the absence of RNA/functional studies the actual effect of c.118+2dupT on splicing is unknown. Therefore, based on the currently available information, it is unclear whether this variant is a pathogenic variant or a rare benign variant.

NM_004320.6(ATP2A1):c.118+2dup

Gene: ATP2A1 (ATPase sarcoplasmic/endoplasmic reticulum Ca2+ transporting 1; plus strand). Cytogenetic location: 16p11.2.
Variant type: Duplication.
Coding change: c.118+2dup on transcript NM_004320.6 (MANE Select); the canonical splice donor site of the intron after coding-DNA position 118, one base duplicated (T; older notation c.118+2dupT).
Molecular consequence: splice donor variant.
Genome position (GRCh38, 1-based): chr16:28,878,791, T duplicated. VCF-style (leftmost placement, unchanged base first): chr16-28878790-G-GT. GRCh37 (hg19) VCF-style: chr16-28890111-G-GT.
Other names: c.118+2dup (NM_173201.5).
Identifiers: ClinVar variation 423902 (VCV000423902.1), dbSNP rs1555514443, ClinGen allele CA16620183.